The following is an entry in ClinVar:

ClinVar aggregate classification (germline): Uncertain significance (1 of 4 stars; one submission).

Conditions:
Vici syndrome (VICIS). Identifiers: Orphanet 1493, MedGen C1855772, MONDO:0009452, OMIM 242840.

Allele frequency attached by ClinVar (database versions not stated): TOPMed below 0.00001; gnomAD 0.00001.
gnomAD v4.1: 1 of 1,614,044 alleles (0.000062%); highest among the groups gnomAD compares: Non-Finnish European, 0.000085%; no homozygotes.

Submission:

Labcorp Genetics (formerly Invitae), Labcorp
Classification: Uncertain significance for Vici syndrome. Last evaluated: 2022-04-25. Review status: criteria provided, single submitter. Criteria: Invitae Variant Classification Sherloc (09022015). Collection method: clinical testing. Allele origin: germline.
Comment: This sequence change replaces arginine, which is basic and polar, with serine, which is neutral and polar, at codon 2390 of the EPG5 protein (p.Arg2390Ser). This variant is not present in population databases (gnomAD no frequency). This variant has not been reported in the literature in individuals affected with EPG5-related conditions. Algorithms developed to predict the effect of missense changes on protein structure and function (SIFT, PolyPhen-2, Align-GVGD) all suggest that this variant is likely to be tolerated. In summary, the available evidence is currently insufficient to determine the role of this variant in disease. Therefore, it has been classified as a Variant of Uncertain Significance.

NM_020964.3(EPG5):c.7170G>T (p.Arg2390Ser)

Gene: EPG5 (ectopic P-granules 5 autophagy tethering factor; minus strand). Cytogenetic location: 18q12.3.
Variant type: single nucleotide variant.
Coding change: c.7170G>T on transcript NM_020964.3 (MANE Select); coding-DNA position 7170, G replaced by T.
Protein change: p.Arg2390Ser; replaces arginine 2390 with serine.
Molecular consequence: missense variant.
Genome position (GRCh38, 1-based): chr18:45,858,622, C>A on the plus strand (G>T on the coding strand, the complement: EPG5 is on the minus strand). VCF-style: chr18-45858622-C-A. GRCh37 (hg19) VCF-style: chr18-43438587-C-A.
Other names: short protein forms R2390S.
Identifiers: ClinVar variation 1381179 (VCV001381179.6), dbSNP rs1344860554, ClinGen allele CA402336372.